The following is an entry in ClinVar:

ClinVar aggregate classification (germline): Uncertain significance (1 of 4 stars; one submission).

Conditions:
Inborn genetic diseases. Identifiers: MedGen C0950123, MeSH D030342.

Submission:

Ambry Genetics
Classification: Uncertain significance for Inborn genetic diseases. Last evaluated: 2025-03-30. Review status: criteria provided, single submitter. Criteria: Ambry Variant Classification Scheme 2023. Collection method: clinical testing. Allele origin: germline.
Comment: The p.K635E variant (also known as c.1903A>G), located in coding exon 8 of the MECOM gene, results from an A to G substitution at nucleotide position 1903. The lysine at codon 635 is replaced by glutamic acid, an amino acid with similar properties. This amino acid position is conserved. In addition, this alteration is predicted to be tolerated by in silico analysis. Based on the available evidence, the clinical significance of this variant remains unclear.

NM_004991.4(MECOM):c.1903A>G (p.Lys635Glu)

Gene: MECOM (MDS1 and EVI1 complex locus; minus strand). Cytogenetic location: 3q26.2.
Variant type: single nucleotide variant.
Coding change: c.1903A>G on transcript NM_004991.4 (MANE Select); coding-DNA position 1903, A replaced by G.
Protein change: p.Lys635Glu; replaces lysine 635 with glutamic acid.
Molecular consequence: missense variant. On other transcripts: intron variant (2).
Genome position (GRCh38, 1-based): chr3:169,115,969, T>C on the plus strand (A>G on the coding strand, the complement: MECOM is on the minus strand). VCF-style: chr3-169115969-T-C. GRCh37 (hg19) VCF-style: chr3-168833757-T-C.
Other names: c.1534A>G, p.Lys512Glu (NM_001105077.4); c.1339A>G, p.Lys447Glu (NM_001105078.4, NM_001164000.2, NM_001205194.2 and 4 more transcripts); c.1342A>G, p.Lys448Glu (NM_001163999.2, NM_001366467.2, NM_001366468.2 and 1 more transcripts); c.1903A>G, p.Lys635Glu (NM_001366466.2); c.1133-202A>G (NM_001366473.2); c.569-202A>G (NM_001366474.2); short protein forms K635E, K447E, K448E, K512E.
Identifiers: ClinVar variation 4053122 (VCV004053122.1).